The following is an entry in ClinVar:

NM_002109.6(HARS1):c.729+12A>G

Gene: HARS1 (histidyl-tRNA synthetase 1; minus strand). Cytogenetic location: 5q31.3.
Variant type: single nucleotide variant.
Coding change: c.729+12A>G on transcript NM_002109.6 (MANE Select); 12 bases into the intron after coding-DNA position 729, A replaced by G.
Molecular consequence: intron variant.
Genome position (GRCh38, 1-based): chr5:140,677,643, T>C on the plus strand (A>G on the coding strand, the complement: HARS1 is on the minus strand). VCF-style: chr5-140677643-T-C. GRCh37 (hg19) VCF-style: chr5-140057228-T-C.
Other names: c.642+12A>G (NM_001289094.2); c.387+12A>G (NM_001289093.2); c.549+12A>G (NM_001258042.3); c.609+12A>G (NM_001258040.3); c.507+12A>G (NM_001289092.2); c.669+12A>G (NM_001258041.3).
Identifiers: ClinVar variation 1680327 (VCV001680327.6), dbSNP rs756500012, ClinGen allele CA3444018.

ClinVar aggregate classification (germline): Uncertain significance (1 of 4 stars; one submission).

Conditions:
Usher syndrome type 3B. Also called: USHER SYNDROME, TYPE IIIB. Identifiers: MedGen C3281066, MONDO:0013788, OMIM 614504.

Allele frequency attached by ClinVar (database versions not stated): gnomAD exomes below 0.00001; ExAC 0.00001; gnomAD 0.00001; TOPMed 0.00001.
gnomAD v4.1: 3 of 1,571,690 alleles (0.00019%); highest among the groups gnomAD compares: East Asian, 0.0045%; no homozygotes.

Submission:

Labcorp Genetics (formerly Invitae), Labcorp
Classification: Uncertain significance for Usher syndrome type 3B. Last evaluated: 2024-10-24. Review status: criteria provided, single submitter. Criteria: Invitae Variant Classification Sherloc (09022015). Collection method: clinical testing. Allele origin: germline.
Comment: This sequence change falls in intron 7 of the HARS gene. It does not directly change the encoded amino acid sequence of the HARS protein. This variant is present in population databases (rs756500012, gnomAD 0.005%). This variant has not been reported in the literature in individuals affected with HARS-related conditions. ClinVar contains an entry for this variant (Variation ID: 1680327). Algorithms developed to predict the effect of sequence changes on RNA splicing suggest that this variant may create or strengthen a splice site. In summary, the available evidence is currently insufficient to determine the role of this variant in disease. Therefore, it has been classified as a Variant of Uncertain Significance.